The following is an entry in ClinVar:

ClinVar aggregate classification (germline): Uncertain significance (1 of 4 stars; one submission).

Submission:

Labcorp Genetics (formerly Invitae), Labcorp
Classification: Uncertain significance. Last evaluated: 2025-10-02. Review status: criteria provided, single submitter. Criteria: Invitae Variant Classification Sherloc (09022015). Collection method: clinical testing. Allele origin: germline.
Comment: This sequence change replaces histidine, which is basic and polar, with arginine, which is basic and polar, at codon 2289 of the MTOR protein (p.His2289Arg). This variant is not present in population databases (gnomAD no frequency). This variant has not been reported in the literature in individuals affected with MTOR-related conditions. Invitae Evidence Modeling of protein sequence and biophysical properties (such as structural, functional, and spatial information, amino acid conservation, physicochemical variation, residue mobility, and thermodynamic stability) indicates that this missense variant is not expected to disrupt MTOR protein function with a negative predictive value of 95%. In summary, the available evidence is currently insufficient to determine the role of this variant in disease. Therefore, it has been classified as a Variant of Uncertain Significance.

NM_004958.4(MTOR):c.6866A>G (p.His2289Arg)

Gene: MTOR (mechanistic target of rapamycin kinase; minus strand). Cytogenetic location: 1p36.22.
Variant type: single nucleotide variant.
Coding change: c.6866A>G on transcript NM_004958.4 (MANE Select); coding-DNA position 6866, A replaced by G.
Protein change: p.His2289Arg; replaces histidine 2289 with arginine.
Molecular consequence: missense variant.
Genome position (GRCh38, 1-based): chr1:11,121,313, T>C on the plus strand (A>G on the coding strand, the complement: MTOR is on the minus strand). VCF-style: chr1-11121313-T-C. GRCh37 (hg19) VCF-style: chr1-11181370-T-C.
Other names: c.6866A>G, p.His2289Arg (NM_001386500.1); c.5618A>G, p.His1873Arg (NM_001386501.1); short protein forms H1873R, H2289R.
Identifiers: ClinVar variation 4799824 (VCV004799824.1).